The following is an entry in ClinVar:

NM_004100.5(EYA4):c.587G>A (p.Gly196Asp)

Gene: EYA4 (EYA transcriptional coactivator and phosphatase 4; plus strand). Cytogenetic location: 6q23.2.
Variant type: single nucleotide variant.
Coding change: c.587G>A on transcript NM_004100.5 (MANE Select); coding-DNA position 587, G replaced by A.
Protein change: p.Gly196Asp; replaces glycine 196 with aspartic acid.
Molecular consequence: missense variant.
Genome position (GRCh38, 1-based): chr6:133,462,627, G>A. VCF-style: chr6-133462627-G-A. GRCh37 (hg19) VCF-style: chr6-133783765-G-A.
Other names: c.425G>A, p.Gly142Asp (NM_001301012.2, NM_001370459.1); c.587G>A, p.Gly196Asp (NM_001301013.2, NM_172105.4); c.518G>A, p.Gly173Asp (NM_001370458.1, NM_172103.4); short protein forms G142D, G173D, G196D.
Identifiers: ClinVar variation 952133 (VCV000952133.9), dbSNP rs776796938, ClinGen allele CA4008112.
Genomic context (GRCh38, chr6:133,462,627, plus strand): 5'-GAAGGAAAATCATCTTACTAATTAAATGGTTTACACATTCAATTTTCTGAACAGATTTGG[G>A]TGTGATGTTGCCAGCCATCAAGACAGAGAGTGGACTTTCCCAAACTCAGTCCCCATTACA-3'
Protein context (NP_004091.3, residues 186-206): QPYSLPTYDL[Gly196Asp]VMLPAIKTES

ClinVar aggregate classification (germline): Uncertain significance (1 of 4 stars; one submission).

Conditions:
Dilated cardiomyopathy 1J (CMD1J). Also called: CARDIOMYOPATHY, DILATED, WITH SENSORINEURAL HEARING LOSS, AUTOSOMAL DOMINANT. Identifiers: Orphanet 217622, MedGen C1854368, MONDO:0011541, OMIM 605362.

Allele frequency attached by ClinVar (database versions not stated): gnomAD exomes below 0.00001; TOPMed below 0.00001; ExAC 0.00001.

Submission:

Labcorp Genetics (formerly Invitae), Labcorp
Classification: Uncertain significance for Dilated cardiomyopathy 1J. Last evaluated: 2025-08-31. Review status: criteria provided, single submitter. Criteria: Invitae Variant Classification Sherloc (09022015). Collection method: clinical testing. Allele origin: germline.
Comment: This sequence change replaces glycine, which is neutral and non-polar, with aspartic acid, which is acidic and polar, at codon 196 of the EYA4 protein (p.Gly196Asp). This variant is present in population databases (rs776796938, gnomAD 0.003%). This variant has not been reported in the literature in individuals affected with EYA4-related conditions. ClinVar contains an entry for this variant (Variation ID: 952133). An algorithm developed to predict the effect of missense changes on protein structure and function (PolyPhen-2) suggests that this variant is likely to be disruptive. In summary, the available evidence is currently insufficient to determine the role of this variant in disease. Therefore, it has been classified as a Variant of Uncertain Significance.